The following is an entry in ClinVar:

NM_152309.3(PIK3AP1):c.514G>T (p.Val172Leu)

Gene: PIK3AP1 (phosphoinositide-3-kinase adaptor protein 1; minus strand). Cytogenetic location: 10q24.1.
Variant type: single nucleotide variant.
Coding change: c.514G>T on transcript NM_152309.3 (MANE Select); coding-DNA position 514, G replaced by T.
Protein change: p.Val172Leu; replaces valine 172 with leucine.
Molecular consequence: missense variant.
Genome position (GRCh38, 1-based): chr10:96,656,851, C>A on the plus strand (G>T on the coding strand, the complement: PIK3AP1 is on the minus strand). VCF-style: chr10-96656851-C-A. GRCh37 (hg19) VCF-style: chr10-98416608-C-A.
Other names: c.514G>T (NM_152309.2); short protein forms V172L.
Identifiers: ClinVar variation 1044477 (VCV001044477.9), dbSNP rs766807797, ClinGen allele CA5626524.
Genomic context (GRCh38, chr10:96,656,851, plus strand): 5'-TGCCTACCCCACAGCGAATGCGGTCCGGCTGCACCACCATCAGGTTCCCAGGTGAAGTCA[C>A]CGTCGGCAGGTTCTGCTGCTTCGAGTAGGAAACAACCTTCTCGTCCTCAGGCTCAGTGTC-3'
Protein context (NP_689522.2, residues 162-182): SYSKQQNLPT[Val172Leu]TSPGNLMVVQ

ClinVar aggregate classification (germline): Uncertain significance. Review status: criteria provided, multiple submitters, no conflicts (2 of 4 stars). 2 submissions from 2 submitters: Uncertain significance (2). Last evaluated 2025-10-10.

Conditions:
Infantile spasms. Also called: Infantile spasm. Identifiers: MedGen C3887898, HP:0012469.

Allele frequency attached by ClinVar (database versions not stated): ExAC 0.00001; TOPMed 0.00002.
gnomAD v4.1: 5 of 1,613,998 alleles (0.00031%); highest among the groups gnomAD compares: African/African-American, 0.0067%; no homozygotes.

Submissions (2):

Labcorp Genetics (formerly Invitae), Labcorp
Classification: Uncertain significance for Infantile spasms. Last evaluated: 2025-10-10. Review status: criteria provided, single submitter. Criteria: Invitae Variant Classification Sherloc (09022015). Collection method: clinical testing. Allele origin: germline.
Comment: This sequence change replaces valine, which is neutral and non-polar, with leucine, which is neutral and non-polar, at codon 172 of the PIK3AP1 protein (p.Val172Leu). This variant is present in population databases (rs766807797, gnomAD 0.01%). This variant has not been reported in the literature in individuals affected with PIK3AP1-related conditions. ClinVar contains an entry for this variant (Variation ID: 1044477). An algorithm developed to predict the effect of missense changes on protein structure and function (PolyPhen-2) suggests that this variant is likely to be tolerated. In summary, the available evidence is currently insufficient to determine the role of this variant in disease. Therefore, it has been classified as a Variant of Uncertain Significance.

Ambry Genetics
Classification: Uncertain significance. Last evaluated: 2023-11-27. Review status: criteria provided, single submitter. Criteria: Ambry Variant Classification Scheme 2023. Collection method: clinical testing. Allele origin: germline.